The following is an entry in ClinVar:

NM_001110556.2(FLNA):c.3827_3828del (p.Thr1276fs)

Gene: FLNA (filamin A; minus strand). Cytogenetic location: Xq28.
Variant type: Deletion.
Coding change: c.3827_3828del on transcript NM_001110556.2 (MANE Select); coding-DNA positions 3827 to 3828, 2 bases deleted (CT; older notation c.3827_3828delCT).
Protein change: p.Thr1276fs; shifts the reading frame from threonine 1276.
Molecular consequence: frameshift variant.
Genome position (GRCh38, 1-based): chrX:154,359,883-154,359,884, AG deleted on the plus strand (CT on the coding strand, the reverse complement: FLNA is on the minus strand). VCF-style (leftmost placement, unchanged base first): chrX-154359882-CAG-C. GRCh37 (hg19) VCF-style: chrX-153588250-CAG-C.
Other names: c.3827_3828del, p.Thr1276fs (NM_001456.4); short protein forms T1276fs.
Identifiers: ClinVar variation 3757329 (VCV003757329.2).

ClinVar aggregate classification (germline): Pathogenic (1 of 4 stars; one submission).

Conditions:
Melnick-Needles syndrome (MNS). Also called: MELNICK-NEEDLES OSTEODYSPLASTY; OSTEODYSPLASTY OF MELNICK AND NEEDLES; Melnick-Needles Syndrome (FLNA-MNS). Identifiers: Orphanet 2484, MedGen C0025237, MONDO:0010650, OMIM 309350.
Frontometaphyseal dysplasia (FMD1). Identifiers: Orphanet 1826, MedGen C0265293, MONDO:0015942.
Heterotopia, periventricular, X-linked dominant (PVNH1). Also called: PERIVENTRICULAR NODULAR HETEROTOPIA 1; X-linked periventricular heterotopia; PERIVENTRICULAR NODULAR HETEROTOPIA 4; HETEROTOPIA, PERIVENTRICULAR, 1. Identifiers: Orphanet 2149, Orphanet 82004, MedGen C1848213, MONDO:0010233, OMIM 300049.
Oto-palato-digital syndrome, type II (OPD2). Also called: FACIOPALATOOSSEOUS SYNDROME; OPD II SYNDROME; Otopalatodigital Syndrome, Type II; Otopalatodigital Syndrome Type 2 (FLNA-OPD2). Identifiers: Orphanet 669, Orphanet 90652, MedGen C1844696, MONDO:0010571, OMIM 304120.

Submission:

Labcorp Genetics (formerly Invitae), Labcorp
Classification: Pathogenic for Oto-palato-digital syndrome, type II; Heterotopia, periventricular, X-linked dominant; Frontometaphyseal dysplasia; Melnick-Needles syndrome. Last evaluated: 2024-07-21. Review status: criteria provided, single submitter. Criteria: Invitae Variant Classification Sherloc (09022015). Collection method: clinical testing. Allele origin: germline.
Comment: This sequence change creates a premature translational stop signal (p.Thr1276Argfs*60) in the FLNA gene. It is expected to result in an absent or disrupted protein product. Loss-of-function variants in FLNA are known to be pathogenic (PMID: 16684786, 20730588, 26471271). This variant is not present in population databases (gnomAD no frequency). This variant has not been reported in the literature in individuals affected with FLNA-related conditions. For these reasons, this variant has been classified as Pathogenic.

Literature cited by the submitters: PubMed 16684786; PubMed 20730588; PubMed 26471271.